The following is an entry in ClinVar:

ClinVar aggregate classification (germline): Uncertain significance (1 of 4 stars; one submission).

Submission:

Labcorp Genetics (formerly Invitae), Labcorp
Classification: Uncertain significance. Last evaluated: 2023-12-11. Review status: criteria provided, single submitter. Criteria: Invitae Variant Classification Sherloc (09022015). Collection method: clinical testing. Allele origin: germline.
Comment: This sequence change falls in intron 8 of the PDZD7 gene. It does not directly change the encoded amino acid sequence of the PDZD7 protein. This variant is not present in population databases (gnomAD no frequency). This variant has not been reported in the literature in individuals affected with PDZD7-related conditions. ClinVar contains an entry for this variant (Variation ID: 1468189). Algorithms developed to predict the effect of sequence changes on RNA splicing suggest that this variant may disrupt the consensus splice site. In summary, the available evidence is currently insufficient to determine the role of this variant in disease. Therefore, it has been classified as a Variant of Uncertain Significance.

NM_001195263.2(PDZD7):c.1325-7T>G

Gene: PDZD7 (PDZ domain containing 7; minus strand). Cytogenetic location: 10q24.31.
Variant type: single nucleotide variant.
Coding change: c.1325-7T>G on transcript NM_001195263.2 (MANE Select); 7 bases into the intron before coding-DNA position 1325, T replaced by G.
Molecular consequence: intron variant. On other transcripts: missense variant (1).
Genome position (GRCh38, 1-based): chr10:101,018,303, A>C on the plus strand (T>G on the coding strand, the complement: PDZD7 is on the minus strand). VCF-style: chr10-101018303-A-C. GRCh37 (hg19) VCF-style: chr10-102778060-A-C.
Other names: c.1346T>G, p.Val449Gly (NM_001351044.2); c.1325-7T>G (NM_024895.5); short protein forms V449G.
Identifiers: ClinVar variation 1468189 (VCV001468189.8), dbSNP rs2134050707, ClinGen allele CA2573145524.